The following is an entry in ClinVar:

ClinVar aggregate classification (germline): Uncertain significance (0 of 4 stars; one submission).

Conditions:
TRIM71-related disorder. Also called: TRIM71-related condition.

Submission:

PreventionGenetics, part of Exact Sciences
Classification: Uncertain significance for TRIM71-related condition. Last evaluated: 2024-01-17. Review status: no assertion criteria provided. Collection method: clinical testing. Allele origin: germline.
Comment: The TRIM71 c.2598_2602del5 variant is predicted to result in a frameshift and premature protein termination (p.Val867Leufs*68). ** PROTEIN EXTENSION VARIANT ** To our knowledge, this variant has not been reported in the literature or in a large population database, indicating this variant is rare. It is not clear whether translation extension would lead to a stable protein, and loss-of-function is not an established mechanism of disease for TRIM71. Therefore, at this time, the clinical significance of this variant is uncertain due to the absence of conclusive functional and genetic evidence.

NM_001039111.3(TRIM71):c.2598_2602del (p.Val867fs)

Gene: TRIM71 (tripartite motif containing 71; plus strand). Cytogenetic location: 3p22.3.
Variant type: Deletion.
Coding change: c.2598_2602del on transcript NM_001039111.3 (MANE Select); coding-DNA positions 2598 to 2602, 5 bases deleted (CGTCT; older notation c.2598_2602delCGTCT).
Protein change: p.Val867fs; shifts the reading frame from valine 867.
Molecular consequence: frameshift variant.
Genome position (GRCh38, 1-based): chr3:32,891,802-32,891,806, CGTCT deleted; deleting any 5 consecutive bases within chr3:32,891,800-32,891,806 gives the same sequence; the c. name uses the placement nearest the transcript's 3' end. VCF-style (leftmost placement, unchanged base first): chr3-32891799-CCTCGT-C. GRCh37 (hg19) VCF-style: chr3-32933291-CCTCGT-C.
Other names: short protein forms V867fs.
Identifiers: ClinVar variation 3045517 (VCV003045517.2), dbSNP rs2471095876, ClinGen allele CA2740094316.